The following is an entry in ClinVar:

ClinVar aggregate classification (germline): Uncertain significance (0 of 4 stars; one submission).

Conditions:
PLEKHA5-related disorder. Also called: PLEKHA5-related condition.

gnomAD v4.1: 10 of 1,479,062 alleles (0.00068%); highest among the groups gnomAD compares: Admixed American, 0.018%; no homozygotes.

Submission:

PreventionGenetics, part of Exact Sciences
Classification: Uncertain significance for PLEKHA5-related condition. Last evaluated: 2024-08-07. Review status: no assertion criteria provided. Collection method: clinical testing. Allele origin: germline.
Comment: The PLEKHA5 c.2699A>G variant is predicted to result in the amino acid substitution p.Tyr900Cys. To our knowledge, this variant has not been reported in the literature. This variant is reported in 0.028% of alleles in individuals of Latino descent in gnomAD. At this time, the clinical significance of this variant is uncertain due to the absence of conclusive functional and genetic evidence.

NM_001256470.2(PLEKHA5):c.2699A>G (p.Tyr900Cys)

Gene: PLEKHA5 (pleckstrin homology domain containing A5; plus strand). Cytogenetic location: 12p12.3.
Variant type: single nucleotide variant.
Coding change: c.2699A>G on transcript NM_001256470.2 (MANE Select); coding-DNA position 2699, A replaced by G.
Protein change: p.Tyr900Cys; replaces tyrosine 900 with cysteine.
Molecular consequence: missense variant. On other transcripts: non-coding transcript variant (5).
Genome position (GRCh38, 1-based): chr12:19,345,878, A>G. VCF-style: chr12-19345878-A-G. GRCh37 (hg19) VCF-style: chr12-19498812-A-G.
Other names: c.2147A>G, p.Tyr716Cys (NM_001256787.2); c.2681A>G, p.Tyr894Cys (NM_001385923.1, NM_001385930.1); c.2663A>G, p.Tyr888Cys (NM_001385924.1, NM_001385931.1); c.2645A>G, p.Tyr882Cys (NM_001385925.1); c.2699A>G, p.Tyr900Cys (NM_001385926.1, NM_001385929.1); c.2579A>G, p.Tyr860Cys (NM_001385927.1); c.2531A>G, p.Tyr844Cys (NM_001385928.1); c.2357A>G, p.Tyr786Cys (NM_001385941.1, NM_001385947.1); and 22 more; short protein forms Y894C, Y900C, Y632C, Y639C, Y640C, Y654C, Y655C, Y661C.
Identifiers: ClinVar variation 3357411 (VCV003357411.1).
Genomic context (GRCh38, chr12:19,345,878, plus strand): 5'-AGTTACGTTTTCTAATATTCCCAGGTATGATAGGATCAAAGCCTTTCTCAACAGTTAAGT[A>G]CAAAAATGAGGTAAGTTTGGATTGTTTTTCTAATTATAAATTACTTTTAATGCTTAAGAG-3'
Protein context (NP_001243399.1, residues 890-910): IGSKPFSTVK[Tyr900Cys]KNEEEEVVPP